The following is an entry in ClinVar:

ClinVar aggregate classification (germline): Pathogenic (1 of 4 stars; one submission).

Conditions:
Glycogen storage disease, type VII (GSD7). Also called: GSD VII; MUSCLE PHOSPHOFRUCTOKINASE DEFICIENCY; PFKM DEFICIENCY; TARUI DISEASE. Identifiers: Orphanet 371, MedGen C0017926, MONDO:0009295, OMIM 232800.

Submission:

Labcorp Genetics (formerly Invitae), Labcorp
Classification: Pathogenic for Glycogen storage disease, type VII. Last evaluated: 2021-12-28. Review status: criteria provided, single submitter. Criteria: Invitae Variant Classification Sherloc (09022015). Collection method: clinical testing. Allele origin: germline.
Comment: This sequence change creates a premature translational stop signal (p.Cys553Valfs*64) in the PFKM gene. It is expected to result in an absent or disrupted protein product. Loss-of-function variants in PFKM are known to be pathogenic (PMID: 7825568, 8037209). This variant is not present in population databases (gnomAD no frequency). This variant has not been reported in the literature in individuals affected with PFKM-related conditions. For these reasons, this variant has been classified as Pathogenic.

Literature cited by the submitters: PubMed 7825568; PubMed 8037209.

NM_000289.6(PFKM):c.1656del (p.Cys553fs)

Gene: PFKM (phosphofructokinase, muscle; plus strand). Cytogenetic location: 12q13.11.
Variant type: Deletion.
Coding change: c.1656del on transcript NM_000289.6 (MANE Select); coding-DNA position 1656, one base deleted (C; older notation c.1656delC).
Protein change: p.Cys553fs; shifts the reading frame from cysteine 553.
Molecular consequence: frameshift variant. On other transcripts: non-coding transcript variant (6).
Genome position (GRCh38, 1-based): chr12:48,142,784, C deleted; the last of 2 consecutive C bases (chr12:48,142,783-48,142,784); deleting either gives the same sequence. VCF-style (leftmost placement, unchanged base first): chr12-48142782-AC-A. GRCh37 (hg19) VCF-style: chr12-48536565-AC-A.
Other names: c.1656del, p.Cys553fs (NM_001354744.2, NM_001166687.2, NM_001166688.2 and 2 more transcripts); c.1569del, p.Cys524fs (NM_001354745.2); c.1530del, p.Cys511fs (NM_001354746.2); c.1506del, p.Cys503fs (NM_001354747.2, NM_001354748.2); c.1563del, p.Cys522fs (NM_001363619.2); c.1869del, p.Cys624fs (NM_001166686.2, NM_001354737.1, NM_001354738.1 and 1 more transcripts); c.1965del, p.Cys656fs (NM_001354735.1, NM_001354736.1); c.1800del, p.Cys601fs (NM_001354740.1); and 1 more; short protein forms C503fs, C511fs, C522fs, C524fs, C553fs, C561fs, C601fs, C624fs.
Identifiers: ClinVar variation 2419015 (VCV002419015.6), dbSNP rs2498608130, ClinGen allele CA2580085468.